The following is an entry in ClinVar:

NM_018263.6(ASXL2):c.4259A>G (p.Asp1420Gly)

Gene: ASXL2 (ASXL transcriptional regulator 2; minus strand). Cytogenetic location: 2p23.3.
Variant type: single nucleotide variant.
Coding change: c.4259A>G on transcript NM_018263.6 (MANE Select); coding-DNA position 4259, A replaced by G.
Protein change: p.Asp1420Gly; replaces aspartic acid 1420 with glycine.
Molecular consequence: missense variant.
Genome position (GRCh38, 1-based): chr2:25,742,078, T>C on the plus strand (A>G on the coding strand, the complement: ASXL2 is on the minus strand). VCF-style: chr2-25742078-T-C. GRCh37 (hg19) VCF-style: chr2-25964947-T-C.
Other names: c.4085A>G, p.Asp1362Gly (NM_001369346.1); c.3479A>G, p.Asp1160Gly (NM_001369347.1); short protein forms D1160G, D1362G, D1420G.
Identifiers: ClinVar variation 2446307 (VCV002446307.3), dbSNP rs2465302048, ClinGen allele CA346073541.

ClinVar aggregate classification (germline): Uncertain significance. Review status: criteria provided, multiple submitters, no conflicts (2 of 4 stars). 2 submissions from 2 submitters: Uncertain significance (2). Last evaluated 2026-05-28.

Conditions:
Shashi-Pena syndrome (SHAPNS). Identifiers: Orphanet 689408, MedGen C4310672, MONDO:0014963, OMIM 617190.

Allele frequency attached by ClinVar (database versions not stated): gnomAD exomes below 0.00001.
gnomAD v4.1: 1 of 1,613,938 alleles (0.000062%); highest among the groups gnomAD compares: Middle Eastern, 0.017%; no homozygotes.

Submissions (2):

GeneDx
Classification: Uncertain significance. Last evaluated: 2026-05-28. Review status: criteria provided, single submitter. Criteria: GeneDx Variant Classification Process June 2021. Collection method: clinical testing. Allele origin: germline.
Comment: Not observed at significant frequency in large population cohorts (gnomAD); In silico analysis supports that this missense variant has a deleterious effect on protein structure/function; Has not been previously published as pathogenic or benign to our knowledge

Revvity Omics, Revvity
Classification: Uncertain significance for Shashi-Pena syndrome. Last evaluated: 2024-02-01. Review status: criteria provided, single submitter. Criteria: ACMG Guidelines, 2015. Collection method: clinical testing. Allele origin: germline.